The following is an entry in ClinVar:

ClinVar aggregate classification (germline): Likely benign (1 of 4 stars; one submission).

gnomAD v4.1: 11,216 of 1,614,192 alleles (0.69%); highest among the groups gnomAD compares: Non-Finnish European, 0.76%; 51 homozygotes.

Submission:

CeGaT Center for Human Genetics Tuebingen
Classification: Likely benign. Last evaluated: 2026-07-01. Review status: criteria provided, single submitter. Criteria: CeGaT Center For Human Genetics Tuebingen Variant Classification Criteria Version 2. Collection method: clinical testing. Allele origin: germline. Affected: yes. Observed: 6 variant alleles.
Comment: LPCAT3: BP4, BP7, BS2

NM_005768.6(LPCAT3):c.1290C>T (p.Leu430=)

Genes: EMG1 (EMG1 N1-specific pseudouridine methyltransferase; plus strand), LPCAT3 (lysophosphatidylcholine acyltransferase 3; minus strand). Cytogenetic location: 12p13.31.
Variant type: single nucleotide variant.
Coding change: c.1290C>T on transcript NM_005768.6 (MANE Select); coding-DNA position 1290, C replaced by T.
Protein change: p.Leu430=; no amino-acid change (leucine 430 retained).
Molecular consequence: synonymous variant. On other transcripts: 3 prime UTR variant (2).
Genome position (GRCh38, 1-based): chr12:6,977,424, G>A on the plus strand (C>T on the coding strand, the complement: LPCAT3 is on the minus strand). VCF-style: chr12-6977424-G-A. GRCh37 (hg19) VCF-style: chr12-7086586-G-A.
Other names: c.*1615G>A (NM_001320049.2, NM_006331.8).
Identifiers: ClinVar variation 3904818 (VCV003904818.10).